The following is an entry in ClinVar:

ClinVar aggregate classification (germline): Uncertain significance (1 of 4 stars; one submission).

Submission:

Women's Health and Genetics/Laboratory Corporation of America, LabCorp
Classification: Uncertain significance. Last evaluated: 2025-09-15. Review status: criteria provided, single submitter. Criteria: LabCorp Variant Classification Summary - May 2015. Collection method: clinical testing. Allele origin: germline.
Comment: Variant summary: TCF20 c.2828A>T (p.Asn943Ile) results in a non-conservative amino acid change in the encoded protein sequence. Algorithms developed to predict the effect of missense changes on protein structure and function are either unavailable or do not agree on the potential impact of this missense change. The variant was absent in 251480 control chromosomes. The available data on variant occurrences in the general population are insufficient to allow any conclusion about variant significance. To our knowledge, no occurrence of c.2828A>T in individuals affected with TCF20-related conditions and no experimental evidence demonstrating its impact on protein function have been reported. No submitters have cited clinical-significance assessments for this variant to ClinVar. Based on the evidence outlined above, the variant was classified as uncertain significance.

NM_001378418.1(TCF20):c.2828A>T (p.Asn943Ile)

Gene: TCF20 (transcription factor 20; minus strand). Cytogenetic location: 22q13.2.
Variant type: single nucleotide variant.
Coding change: c.2828A>T on transcript NM_001378418.1 (MANE Select); coding-DNA position 2828, A replaced by T.
Protein change: p.Asn943Ile; replaces asparagine 943 with isoleucine.
Molecular consequence: missense variant.
Genome position (GRCh38, 1-based): chr22:42,212,478, T>A on the plus strand (A>T on the coding strand, the complement: TCF20 is on the minus strand). VCF-style: chr22-42212478-T-A. GRCh37 (hg19) VCF-style: chr22-42608484-T-A.
Other names: c.2828A>T, p.Asn943Ile (NM_005650.4, NM_181492.3); short protein forms N943I.
Identifiers: ClinVar variation 4535521 (VCV004535521.1).